The following is an entry in ClinVar:

ClinVar aggregate classification (germline): Benign (1 of 4 stars; one submission).

Conditions:
Spinocerebellar ataxia 7 (SCA7). Also called: OPCA III; OPCA WITH MACULAR DEGENERATION AND EXTERNAL OPHTHALMOPLEGIA; OPCA WITH RETINAL DEGENERATION; Autosomal dominant cerebellar ataxia type 2; Autosomal dominant cerebellar ataxia type II; ADCA, TYPE II. Identifiers: Orphanet 208508, Orphanet 94147, MedGen C0752125, MONDO:0016163, OMIM 164500.

Submission:

Centre for Mendelian Genomics, University Medical Centre Ljubljana
Classification: Benign for Spinocerebellar ataxia 7. Last evaluated: 2018-11-16. Review status: criteria provided, single submitter. Criteria: ACMG Guidelines, 2015. Collection method: clinical testing. Allele origin: unknown. Affected: yes.
Comment: This variant was classified as: Benign. The following ACMG criteria were applied in classifying this variant: A.

NM_001377405.1(ATXN7):c.2654_2656del (p.Leu885del)

Gene: ATXN7 (ataxin 7; plus strand). Cytogenetic location: 3p14.1.
Variant type: Deletion.
Coding change: c.2654_2656del on transcript NM_001377405.1 (MANE Select); coding-DNA positions 2654 to 2656, 3 bases deleted (TTC; older notation c.2654_2656delTTC).
Protein change: p.Leu885del; deletes leucine 885.
Molecular consequence: inframe deletion.
Genome position (GRCh38, 1-based): chr3:63,996,476-63,996,478, TTC deleted; deleting any 3 consecutive bases within chr3:63,996,475-63,996,478 gives the same sequence; the c. name uses the placement nearest the transcript's 3' end. VCF-style (leftmost placement, unchanged base first): chr3-63996474-CCTT-C. GRCh37 (hg19) VCF-style: chr3-63982150-CCTT-C.
Other names: c.2654_2656delTTC (NM_001177387.1); c.2654_2656del, p.Leu885del (NM_000333.4, NM_001177387.1, NM_001377406.1); c.2219_2221del, p.Leu740del (NM_001128149.3); short protein forms L740del, L885del.
Identifiers: ClinVar variation 931863 (VCV000931863.3), dbSNP rs748138546, ClinGen allele CA2478895.
Genomic context (GRCh38, chr3:63,996,474, plus strand): 5'-TGTCCACATGAAACACACAGGCACCATCCCAGGGGCACAAGGACTGATGAACAGTTCCCT[CCTT>C]CATCAGGTAGGAAATGGACTGTGAGCCCCATGGGAATGCCCATTTCTTCTCCCTTAAGAT-3'